The following is an entry in ClinVar:

ClinVar aggregate classification (germline): Conflicting classifications of pathogenicity. Review status: criteria provided, conflicting classifications (1 of 4 stars). 2 submissions from 2 submitters: Uncertain significance (1); Likely benign (1). Last evaluated 2025-07-03.

Conditions:
Hypertrophic cardiomyopathy. Also called: HYPERTROPHIC MYOCARDIOPATHY. Identifiers: Orphanet 217569, MedGen C0007194, MeSH D002312, MONDO:0005045, HP:0001639.
Cardiomyopathy (CMYO). Also called: Cardiomyopathies. Identifiers: Orphanet 167848, MedGen C0878544, MONDO:0004994, HP:0001638. Inheritance: Various modes of inheritance.

Allele frequency attached by ClinVar (database versions not stated): TOPMed below 0.00001; gnomAD 0.00001.
gnomAD v4.1: 1 of 1,612,790 alleles (0.000062%); highest among the groups gnomAD compares: African/African-American, 0.0013%; no homozygotes.

Submissions (2):

Labcorp Genetics (formerly Invitae), Labcorp
Classification: Likely benign for Hypertrophic cardiomyopathy. Last evaluated: 2025-07-03. Review status: criteria provided, single submitter. Criteria: Invitae Variant Classification Sherloc (09022015). Collection method: clinical testing. Allele origin: germline.

All of Us Research Program, National Institutes of Health
Classification: Uncertain significance for Cardiomyopathy. Last evaluated: 2023-12-18. Review status: criteria provided, single submitter. Criteria: ACMG Guidelines, 2015. Collection method: clinical testing. Allele origin: germline. Inheritance: Autosomal dominant inheritance. Observed: 1 variant allele, 1 heterozygote.
Comment: This variant causes a C to G nucleotide substitution at the -12 position of intron 6 of the MYH7 gene. To our knowledge, functional studies have not been reported for this variant. This variant has not been reported in individuals affected with MYH7-related disorders in the literature. This variant has been identified in 1/31412 chromosomes in the general population by the Genome Aggregation Database (gnomAD). The available evidence is insufficient to determine the role of this variant in disease conclusively. Therefore, this variant is classified as a Variant of Uncertain Significance.

This study involves interpretation of variants in research participants for the purpose of population health screening. Participant phenotype was not available at the time of variant classification. Additional details can be found in publication PMID: 35346344, PMCID: PMC8962531

NM_000257.4(MYH7):c.531-12C>G

Gene: MYH7 (myosin heavy chain 7; minus strand). Cytogenetic location: 14q11.2.
Variant type: single nucleotide variant.
Coding change: c.531-12C>G on transcript NM_000257.4 (MANE Select); 12 bases into the intron before coding-DNA position 531, C replaced by G.
Molecular consequence: intron variant.
Genome position (GRCh38, 1-based): chr14:23,431,881, G>C on the plus strand (C>G on the coding strand, the complement: MYH7 is on the minus strand). VCF-style: chr14-23431881-G-C. GRCh37 (hg19) VCF-style: chr14-23901090-G-C.
Identifiers: ClinVar variation 1986503 (VCV001986503.5), dbSNP rs952225281, ClinGen allele CA257826118.
Genomic context (GRCh38, chr14:23,431,881, plus strand): 5'-CTGGATGACCCTCTTGGTGTTGACTGTCTTCCCTGCTCCGGATTCTCCGCTGTGAAGACA[G>C]GGGCTTATTGGGCAGTGAACAATACTACTGGAGACCAGCAAGCCTCAAATCAGGAGAGAA-3'